The following is an entry in ClinVar:

NC_000016.9:g.(?_89871668)_(89883024_?)del

Gene: FANCA (FA complementation group A; minus strand). Cytogenetic location: 16q24.3.
Variant type: Deletion.
Identifiers: ClinVar variation 3243239 (VCV003243239.1).

ClinVar aggregate classification (germline): Pathogenic (1 of 4 stars; one submission).

Conditions:
Fanconi anemia (FA). Also called: Fanconi's anemia. Identifiers: Orphanet 84, MedGen C0015625, MeSH D005199, MONDO:0019391.

Submission:

Labcorp Genetics (formerly Invitae), Labcorp
Classification: Pathogenic for Fanconi anemia. Last evaluated: 2023-12-02. Review status: criteria provided, single submitter. Criteria: Invitae Variant Classification Sherloc (09022015). Collection method: clinical testing. Allele origin: unknown.
Comment: This variant is a gross deletion of the genomic region encompassing exon(s) 1-7 of the FANCA gene, which includes the initiator codon. This deletion extends beyond the assayed region for this gene and therefore may encompass additional genes. It is expected to result in an absent or disrupted protein product. Loss-of-function variants in FANCA are known to be pathogenic (PMID: 19367192). A similar copy number variant has been observed in individual(s) with Fanconi anemia (PMID: 29098742). For these reasons, this variant has been classified as Pathogenic.

Literature cited by the submitters: PubMed 19367192; PubMed 29098742.